The following is an entry in ClinVar:

ClinVar aggregate classification (germline): Likely benign. Review status: criteria provided, multiple submitters, no conflicts (2 of 4 stars). 4 submissions from 4 submitters: Likely benign (3). 1 of the submissions does not count toward it. Last evaluated 2025-12-25.

Conditions:
PREPL-related disorder. Also called: PREPL-related condition.
Inborn genetic diseases. Identifiers: MedGen C0950123, MeSH D030342.
Myasthenic syndrome, congenital, 22 (CMS22). Also called: PREPL DEFICIENCY. Identifiers: MedGen C4479088, MONDO:0044299, OMIM 616224.

Allele frequency attached by ClinVar (database versions not stated): 1000 Genomes Project 30x 0.00047; 1000 Genomes Project 0.00060; ESP Exome Variant Server 0.00062; gnomAD 0.00078 and 0.00089; TOPMed 0.00102.
gnomAD v4.1: 297 of 1,612,890 alleles (0.018%); highest among the groups gnomAD compares: African/African-American, 0.26%; no homozygotes.

Submissions (4):

Labcorp Genetics (formerly Invitae), Labcorp
Classification: Likely benign for Myasthenic syndrome, congenital, 22. Last evaluated: 2025-12-25. Review status: criteria provided, single submitter. Criteria: Invitae Variant Classification Sherloc (09022015). Collection method: clinical testing. Allele origin: germline.

Mayo Clinic Laboratories, Mayo Clinic
Classification: Likely benign. Last evaluated: 2025-12-14. Review status: criteria provided, single submitter. Criteria: ACMG Guidelines, 2015. Collection method: clinical testing. Allele origin: germline. Observed: 1 variant allele.
Comment: BS1, BP4_moderate

Ambry Genetics
Classification: Likely benign for Inborn genetic diseases. Last evaluated: 2023-09-29. Review status: criteria provided, single submitter. Criteria: Ambry Variant Classification Scheme 2023. Collection method: clinical testing. Allele origin: germline.

PreventionGenetics, part of Exact Sciences
Classification: Likely benign for PREPL-related condition. Last evaluated: 2024-03-24. Review status: no assertion criteria provided. Collection method: clinical testing. Allele origin: germline. Not counted in ClinVar's aggregate classification.
Comment: This variant is classified as likely benign based on ACMG/AMP sequence variant interpretation guidelines (Richards et al. 2015 PMID: 25741868, with internal and published modifications).

NM_001171613.2(PREPL):c.-49+1740C>A

Gene: PREPL (prolyl endopeptidase like; minus strand). Cytogenetic location: 2p21.
Variant type: single nucleotide variant.
Coding change: c.-49+1740C>A on transcript NM_001171613.2 (MANE Select); 1740 bases into the intron after 49 bases upstream of the start codon, C replaced by A.
Molecular consequence: intron variant. On other transcripts: missense variant (7).
Genome position (GRCh38, 1-based): chr2:44,359,640, G>T on the plus strand (C>A on the coding strand, the complement: PREPL is on the minus strand). VCF-style: chr2-44359640-G-T. GRCh37 (hg19) VCF-style: chr2-44586779-G-T.
Other names: p.Gln26Lys; c.76C>A, p.Gln26Lys (NM_006036.4, NM_001042385.2, NM_001042386.2 and 4 more transcripts); c.-49+1884C>A (NM_001171617.1); c.-49+1777C>A (NM_001374277.1); short protein forms Q26K.
Identifiers: ClinVar variation 702299 (VCV000702299.14), dbSNP rs145322905, ClinGen allele CA1641757.